The following is an entry in ClinVar:

NM_000059.4(BRCA2):c.6074_6075del (p.Leu2025fs)

Gene: BRCA2 (BRCA2 DNA repair associated; plus strand). Cytogenetic location: 13q13.1.
Variant type: Deletion.
Coding change: c.6074_6075del on transcript NM_000059.4 (MANE Select); coding-DNA positions 6074 to 6075, 2 bases deleted (TC; older notation c.6074_6075delTC).
Protein change: p.Leu2025fs; shifts the reading frame from leucine 2025.
Molecular consequence: frameshift variant.
Genome position (GRCh38, 1-based): chr13:32,340,429-32,340,430, TC deleted; deleting any 2 consecutive bases within chr13:32,340,428-32,340,430 gives the same sequence; the c. name uses the placement nearest the transcript's 3' end. VCF-style (leftmost placement, unchanged base first): chr13-32340427-GCT-G. GRCh37 (hg19) VCF-style: chr13-32914564-GCT-G.
Other names: c.6074_6075delTC (NM_000059.3); short protein forms L2025fs.
Identifiers: ClinVar variation 409513 (VCV000409513.8), dbSNP rs1060502444, ClinGen allele CA16614332.

ClinVar aggregate classification (germline): Pathogenic. Review status: reviewed by expert panel (3 of 4 stars). 2 submissions from 2 submitters: Pathogenic (1). 1 of the submissions does not count toward it. Last evaluated 2017-12-15.

Conditions:
Hereditary breast ovarian cancer syndrome. Also called: Hereditary breast and ovarian cancer syndrome; Hereditary breast and/or ovarian cancer syndrome; BRCA1- and BRCA2-Associated Hereditary Breast and Ovarian Cancer; Hereditary breast and ovarian cancer syndrome (HBOC); Hereditary breast and ovarian cancer; Breast and ovarian cancer. Identifiers: Orphanet 145, MedGen C0677776, MeSH D061325, MONDO:0003582. Disease mechanism: loss of function.
Breast-ovarian cancer, familial, susceptibility to, 2 (BROVCA2). Also called: BRCA2 Hereditary Breast and Ovarian Cancer. Identifiers: Orphanet 145, MedGen C2675520, MONDO:0012933, OMIM 612555. Disease mechanism: loss of function.

Submissions (2):

Evidence-based Network for the Interpretation of Germline Mutant Alleles (ENIGMA)
Classification: Pathogenic for Breast-ovarian cancer, familial, susceptibility to, 2. Last evaluated: 2017-12-15. Review status: reviewed by expert panel. Criteria: ENIGMA BRCA1/2 Classification Criteria (2017-06-29). Collection method: curation. Allele origin: germline. Study: ENIGMA.
Comment: Variant allele predicted to encode a truncated non-functional protein.

Labcorp Genetics (formerly Invitae), Labcorp
Classification: Pathogenic for Hereditary breast ovarian cancer syndrome. Last evaluated: 2021-08-18. Review status: criteria provided, single submitter. Criteria: Invitae Variant Classification Sherloc (09022015). Collection method: clinical testing. Allele origin: germline. Not counted in ClinVar's aggregate classification.
Comment: Loss-of-function variants in BRCA2 are known to be pathogenic (PMID: 20104584). This sequence change creates a premature translational stop signal (p.Leu2025Hisfs*23) in the BRCA2 gene. It is expected to result in an absent or disrupted protein product. This variant is not present in population databases (ExAC no frequency). This variant has not been reported in the literature in individuals with BRCA2-related disease. ClinVar contains an entry for this variant (Variation ID: 409513). For these reasons, this variant has been classified as Pathogenic.

Literature cited by the submitters: PubMed 20104584 (cited by Labcorp Genetics (formerly Invitae), Labcorp).